The following is an entry in ClinVar:

NM_002439.5(MSH3):c.548C>T (p.Ser183Phe)

Gene: MSH3 (mutS homolog 3; plus strand). Cytogenetic location: 5q14.1.
Variant type: single nucleotide variant.
Coding change: c.548C>T on transcript NM_002439.5 (MANE Select); coding-DNA position 548, C replaced by T.
Protein change: p.Ser183Phe; replaces serine 183 with phenylalanine.
Molecular consequence: missense variant.
Genome position (GRCh38, 1-based): chr5:80,665,332, C>T. VCF-style: chr5-80665332-C-T. GRCh37 (hg19) VCF-style: chr5-79961151-C-T.
Other names: short protein forms S183F.
Identifiers: ClinVar variation 644186 (VCV000644186.14), dbSNP rs1432159214, ClinGen allele CA360264458.
Genomic context (GRCh38, chr5:80,665,332, plus strand): 5'-TGCCAAAATGTACTGATTTTGATGATATCAGTCTTCTACACGCAAAGAATGCAGTTTCTT[C>T]TGAAGATTCGAAACGTCAAATTAATCAAAAGGTATGTAACTGCTATAGATGAGTATCCAG-3'
Protein context (NP_002430.3, residues 173-193): SLLHAKNAVS[Ser183Phe]EDSKRQINQK

ClinVar aggregate classification (germline): Uncertain significance. Review status: criteria provided, multiple submitters, no conflicts (2 of 4 stars). 3 submissions from 3 submitters: Uncertain significance (3). Last evaluated 2025-11-17.

Conditions:
Hereditary cancer-predisposing syndrome. Also called: Hereditary Cancer Syndrome; Hereditary neoplastic syndrome; Tumor predisposition; Neoplastic Syndromes, Hereditary. Identifiers: Orphanet 140162, MedGen C0027672, MeSH D009386, MONDO:0015356.

Allele frequency attached by ClinVar (database versions not stated): gnomAD exomes below 0.00001; gnomAD 0.00001.
gnomAD v4.1: 7 of 1,612,914 alleles (0.00043%); highest among the groups gnomAD compares: East Asian, 0.0022%; no homozygotes.

Submissions (3):

Labcorp Genetics (formerly Invitae), Labcorp
Classification: Uncertain significance. Last evaluated: 2025-11-17. Review status: criteria provided, single submitter. Criteria: Invitae Variant Classification Sherloc (09022015). Collection method: clinical testing. Allele origin: germline.
Comment: This sequence change replaces serine, which is neutral and polar, with phenylalanine, which is neutral and non-polar, at codon 183 of the MSH3 protein (p.Ser183Phe). This variant is not present in population databases (gnomAD no frequency). This variant has not been reported in the literature in individuals affected with MSH3-related conditions. ClinVar contains an entry for this variant (Variation ID: 644186). An algorithm developed to predict the effect of missense changes on protein structure and function (PolyPhen-2) suggests that this variant is likely to be disruptive. In summary, the available evidence is currently insufficient to determine the role of this variant in disease. Therefore, it has been classified as a Variant of Uncertain Significance.

Dasa
Classification: Uncertain significance. Last evaluated: 2025-07-15. Review status: criteria provided, single submitter. Criteria: DASA Assertion Criteria. Collection method: clinical testing. Allele origin: germline.
Comment: NM_002439.5(MSH3):c.548C>T (p.Ser183Phe) is a missense variant that results in the substitution of serine with phenylalanine. This variant is rare in population databases. Computational prediction algorithms are consistent with a benign effect. The currently available literature and clinical evidence are not sufficient to establish a definitive association between this variant and the reported condition. Therefore, this variant is classified as a variant of uncertain significance.

Ambry Genetics
Classification: Uncertain significance for Hereditary cancer-predisposing syndrome. Last evaluated: 2024-09-19. Review status: criteria provided, single submitter. Criteria: Ambry Variant Classification Scheme 2023. Collection method: clinical testing. Allele origin: germline.
Comment: The p.S183F variant (also known as c.548C>T), located in coding exon 3 of the MSH3 gene, results from a C to T substitution at nucleotide position 548. The serine at codon 183 is replaced by phenylalanine, an amino acid with highly dissimilar properties. This amino acid position is highly conserved in available vertebrate species. In addition, the in silico prediction for this alteration is inconclusive. Since supporting evidence is limited at this time, the clinical significance of this alteration remains unclear.